The following is an entry in ClinVar:

NM_000287.4(PEX6):c.668dup (p.Trp224fs)

Gene: PEX6 (peroxisomal biogenesis factor 6; minus strand). Cytogenetic location: 6p21.1.
Variant type: Duplication.
Coding change: c.668dup on transcript NM_000287.4 (MANE Select); coding-DNA position 668, one base duplicated (T; older notation c.668dupT).
Protein change: p.Trp224fs; shifts the reading frame from tryptophan 224.
Molecular consequence: frameshift variant. On other transcripts: non-coding transcript variant (1), intron variant (1).
Genome position (GRCh38, 1-based): chr6:42,978,483, A duplicated on the plus strand (T on the coding strand, the reverse complement: PEX6 is on the minus strand). VCF-style (leftmost placement, unchanged base first): chr6-42978482-C-CA. GRCh37 (hg19) VCF-style: chr6-42946220-C-CA.
Other names: c.618+50dup (NM_001316313.2); short protein forms W224fs.
Identifiers: ClinVar variation 2094631 (VCV002094631.5), dbSNP rs2481277379, ClinGen allele CA2580074642.

ClinVar aggregate classification (germline): Pathogenic/Likely pathogenic. Review status: criteria provided, multiple submitters, no conflicts (2 of 4 stars). 2 submissions from 2 submitters: Pathogenic (1); Likely pathogenic (1). Last evaluated 2024-01-12.

Conditions:
Peroxisome biogenesis disorder. Identifiers: Orphanet 79189, MedGen C1832200, MONDO:0019234. Disease mechanism: loss of function.
Heimler syndrome 2 (HMLR2). Also called: PEROXISOME BIOGENESIS DISORDER 4C. Identifiers: Orphanet 3220, MedGen C4225267, OMIM 616617, MONDO:0014709.

Submissions (2):

Labcorp Genetics (formerly Invitae), Labcorp
Classification: Pathogenic for Peroxisome biogenesis disorder. Last evaluated: 2024-01-12. Review status: criteria provided, single submitter. Criteria: Invitae Variant Classification Sherloc (09022015). Collection method: clinical testing. Allele origin: germline.
Comment: This sequence change creates a premature translational stop signal (p.Trp224Valfs*18) in the PEX6 gene. It is expected to result in an absent or disrupted protein product. Loss-of-function variants in PEX6 are known to be pathogenic (PMID: 10408779, 21031596, 31831025). This variant is not present in population databases (gnomAD no frequency). This variant has not been reported in the literature in individuals affected with PEX6-related conditions. ClinVar contains an entry for this variant (Variation ID: 2094631). For these reasons, this variant has been classified as Pathogenic.

Baylor Genetics
Classification: Likely pathogenic for Heimler syndrome 2. Last evaluated: 2022-07-14. Review status: criteria provided, single submitter. Criteria: ACMG Guidelines, 2015. Collection method: clinical testing. Allele origin: unknown.

Literature cited by the submitters: PubMed 10408779 (cited by Labcorp Genetics (formerly Invitae), Labcorp); PubMed 21031596 (cited by Labcorp Genetics (formerly Invitae), Labcorp); PubMed 31831025 (cited by Labcorp Genetics (formerly Invitae), Labcorp).